The following is an entry in ClinVar:

ClinVar aggregate classification (germline): Uncertain significance (1 of 4 stars; one submission).

Conditions:
NOVA2-related disorder. Also called: NOVA2-related condition.

Submission:

PreventionGenetics, part of Exact Sciences
Classification: Uncertain significance for NOVA2-related condition. Last evaluated: 2025-05-24. Review status: criteria provided, single submitter. Criteria: ACMG Guidelines, 2015. Collection method: clinical testing. Allele origin: germline.
Comment: The NOVA2 c.192_195dupCACC variant is predicted to result in a frameshift and premature protein termination (p.Ile66Hisfs*50). To our knowledge, this variant has not been reported in the literature or in gnomAD, indicating it is rare. Premature termination variants in NOVA2 have been associated with disease (see fore example, Mattioli et al. 2020. PubMed ID: 32197073; Scala et al. 2022. PubMed ID: 35607920); however, disease-associated variants are concentrated in the last exon of the gene, downstream of this position. Although we suspect that this variant may be pathogenic, at this time, the clinical significance of this variant is uncertain due to the absence of conclusive functional and genetic evidence.

NM_002516.4(NOVA2):c.192_195dup (p.Ile66fs)

Gene: NOVA2 (NOVA alternative splicing regulator 2; minus strand). Cytogenetic location: 19q13.32.
Variant type: Duplication.
Coding change: c.192_195dup on transcript NM_002516.4 (MANE Select); coding-DNA positions 192 to 195, 4 bases duplicated (CACC; older notation c.192_195dupCACC).
Protein change: p.Ile66fs; shifts the reading frame from isoleucine 66.
Molecular consequence: frameshift variant.
Genome position (GRCh38, 1-based): chr19:45,961,044-45,961,047, GGTG duplicated on the plus strand (CACC on the coding strand, the reverse complement: NOVA2 is on the minus strand); duplicating any 4 consecutive bases within chr19:45,961,044-45,961,048 gives the same sequence; the c. name uses the placement nearest the transcript's 3' end. VCF-style (leftmost placement, unchanged base first): chr19-45961043-T-TGGTG. GRCh37 (hg19) VCF-style: chr19-46464301-T-TGGTG.
Other names: short protein forms I66fs.
Identifiers: ClinVar variation 4999864 (VCV004999864.1).
Genomic context (GRCh38, chr19:45,961,043, plus strand): 5'-AGGGCAGAGACCTGGGCCGGGGCTCACCGGGGTAGAAGTCTTTGGACTTGGAGAGCTTGA[T>TGGTG]GGTGGCTCCGGTCTCCTTCTGCAGCTGCACGATGGTCTGCCCGCCCTTGCCAATGATGGA-3'